The following is an entry in ClinVar:

ClinVar aggregate classification (germline): Uncertain significance (1 of 4 stars; one submission).

Conditions:
Aicardi-Goutieres syndrome 6 (AGS6). Identifiers: Orphanet 51, MedGen C3539013, MONDO:0014007, OMIM 615010.

Submission:

Centre for Mendelian Genomics, University Medical Centre Ljubljana
Classification: Uncertain significance for Aicardi-Goutieres syndrome 6. Last evaluated: 2019-03-06. Review status: criteria provided, single submitter. Criteria: ACMG Guidelines, 2015. Collection method: clinical testing. Allele origin: unknown. Affected: yes.
Comment: This variant was classified as: Uncertain significance. The following ACMG criteria were applied in classifying this variant: PM2.

NM_001111.5(ADAR):c.305A>G (p.Gln102Arg)

Gene: ADAR (adenosine deaminase RNA specific; minus strand). Cytogenetic location: 1q21.3.
Variant type: single nucleotide variant.
Coding change: c.305A>G on transcript NM_001111.5 (MANE Select); coding-DNA position 305, A replaced by G.
Protein change: p.Gln102Arg; replaces glutamine 102 with arginine.
Molecular consequence: missense variant. On other transcripts: 5 prime UTR variant (3), intron variant (3).
Genome position (GRCh38, 1-based): chr1:154,602,337, T>C on the plus strand (A>G on the coding strand, the complement: ADAR is on the minus strand). VCF-style: chr1-154602337-T-C. GRCh37 (hg19) VCF-style: chr1-154574813-T-C.
Other names: c.-581A>G (NM_001025107.3, NM_001193495.2, NM_001365048.1); c.332A>G, p.Gln111Arg (NM_001365045.1); c.305A>G, p.Gln102Arg (NM_015840.4, NM_015841.4); c.-493+48A>G (NM_001365046.1, NM_001365049.1, NM_001365047.1); short protein forms Q111R, Q102R.
Identifiers: ClinVar variation 931098 (VCV000931098.3), dbSNP rs1697938546, ClinGen allele CA342604602.
Genomic context (GRCh38, chr1:154,602,337, plus strand): 5'-CCTCTCTGTGGCAGACTCCTGCCACGTGGTGAAGGATGCTGGAACCCTCTCTGGAGCCCC[T>C]GACTTCTGAGATGCACGCCCCTGGGGACACCCCTGATGTCCACTTGCCTGCCTCTGGTAC-3'
Protein context (NP_001102.3, residues 92-112): GVPRGVHLRS[Gln102Arg]GLQRGFQHPS